The following is an entry in ClinVar:

NM_000062.3(SERPING1):c.889+3A>G

Gene: SERPING1 (serpin family G member 1; plus strand). Cytogenetic location: 11q12.1.
Variant type: single nucleotide variant.
Coding change: c.889+3A>G on transcript NM_000062.3 (MANE Select); 3 bases into the intron after coding-DNA position 889, A replaced by G.
Molecular consequence: intron variant.
Genome position (GRCh38, 1-based): chr11:57,606,216, A>G. VCF-style: chr11-57606216-A-G. GRCh37 (hg19) VCF-style: chr11-57373689-A-G.
Other names: c.889+3A>G (NM_001032295.2).
Identifiers: ClinVar variation 3730802 (VCV003730802.2).

ClinVar aggregate classification (germline): Uncertain significance (1 of 4 stars; one submission).

gnomAD v4.1: 37 of 1,614,184 alleles (0.0023%); highest among the groups gnomAD compares: East Asian, 0.071%; 1 homozygote.

Submission:

Labcorp Genetics (formerly Invitae), Labcorp
Classification: Uncertain significance. Last evaluated: 2025-01-07. Review status: criteria provided, single submitter. Criteria: Invitae Variant Classification Sherloc (09022015). Collection method: clinical testing. Allele origin: germline.
Comment: This sequence change falls in intron 5 of the SERPING1 gene. It does not directly change the encoded amino acid sequence of the SERPING1 protein. It affects a nucleotide within the consensus splice site. This variant is present in population databases (rs186014033, gnomAD 0.05%). This variant has not been reported in the literature in individuals affected with SERPING1-related conditions. Variants that disrupt the consensus splice site are a relatively common cause of aberrant splicing (PMID: 17576681, 9536098). Algorithms developed to predict the effect of sequence changes on RNA splicing suggest that this variant is not likely to affect RNA splicing. In summary, the available evidence is currently insufficient to determine the role of this variant in disease. Therefore, it has been classified as a Variant of Uncertain Significance.

Literature cited by the submitters: PubMed 17576681; PubMed 9536098.